The following is an entry in ClinVar:

ClinVar aggregate classification (germline): Uncertain significance (1 of 4 stars; one submission).

Conditions:
OTOGL-related disorder. Also called: OTOGL-related condition.

Submission:

PreventionGenetics, part of Exact Sciences
Classification: Uncertain significance for OTOGL-related condition. Last evaluated: 2026-02-20. Review status: criteria provided, single submitter. Criteria: ACMG Guidelines, 2015. Collection method: clinical testing. Allele origin: germline.
Comment: The OTOGL c.529T>A variant is predicted to result in the amino acid substitution p.Ser177Thr. To our knowledge, this variant has not been reported in the literature. This variant is reported in 0.0058% of alleles in individuals of Latino descent in gnomAD. At this time, the clinical significance of this variant is uncertain due to the absence of conclusive functional and genetic evidence.

NM_001378609.3(OTOGL):c.556T>A (p.Ser186Thr)

Gene: OTOGL (otogelin like; plus strand). Cytogenetic location: 12q21.31.
Variant type: single nucleotide variant.
Coding change: c.556T>A on transcript NM_001378609.3 (MANE Select); coding-DNA position 556, T replaced by A.
Protein change: p.Ser186Thr; replaces serine 186 with threonine.
Molecular consequence: missense variant.
Genome position (GRCh38, 1-based): chr12:80,229,323, T>A. VCF-style: chr12-80229323-T-A. GRCh37 (hg19) VCF-style: chr12-80623103-T-A.
Other names: c.556T>A, p.Ser186Thr (NM_001368062.3, NM_001378610.3, NM_173591.7); short protein forms S186T.
Identifiers: ClinVar variation 4990186 (VCV004990186.1).